The following is an entry in ClinVar:

ClinVar aggregate classification (germline): Uncertain significance (1 of 4 stars; one submission).

Conditions:
Combined deficiency of sialidase AND beta galactosidase (GSL). Also called: CATHEPSIN A DEFICIENCY; PPCA DEFICIENCY; PROTECTIVE PROTEIN/CATHEPSIN A DEFICIENCY; Galactosialidosis; GOLDBERG SYNDROME; NEURAMINIDASE DEFICIENCY WITH BETA-GALACTOSIDASE DEFICIENCY. Identifiers: Orphanet 351, MedGen C0268233, MONDO:0009737, OMIM 256540.

Allele frequency attached by ClinVar (database versions not stated): gnomAD 0.00001; TOPMed 0.00003.

Submission:

Labcorp Genetics (formerly Invitae), Labcorp
Classification: Uncertain significance for Combined deficiency of sialidase AND beta galactosidase. Last evaluated: 2021-08-30. Review status: criteria provided, single submitter. Criteria: Invitae Variant Classification Sherloc (09022015). Collection method: clinical testing. Allele origin: germline.
Comment: This sequence change replaces arginine with glutamine at codon 43 of the CTSA protein (p.Arg43Gln). The arginine residue is weakly conserved and there is a small physicochemical difference between arginine and glutamine. This variant is present in population databases (rs746200419, ExAC 0.002%). This variant has not been reported in the literature in individuals affected with CTSA-related conditions. Algorithms developed to predict the effect of missense changes on protein structure and function output the following: SIFT: "Not Available"; PolyPhen-2: "Benign"; Align-GVGD: "Not Available". The glutamine amino acid residue is found in multiple mammalian species, which suggests that this missense change does not adversely affect protein function. In summary, the available evidence is currently insufficient to determine the role of this variant in disease. Therefore, it has been classified as a Variant of Uncertain Significance.

NM_000308.4(CTSA):c.74G>A (p.Arg25Gln)

Genes: CTSA (cathepsin A; plus strand), LOC130065974 (ATAC-STARR-seq lymphoblastoid active region 17954; plus strand). Cytogenetic location: 20q13.12.
Variant type: single nucleotide variant.
Coding change: c.74G>A on transcript NM_000308.4 (MANE Select); coding-DNA position 74, G replaced by A.
Protein change: p.Arg25Gln; replaces arginine 25 with glutamine.
Molecular consequence: missense variant. On other transcripts: non-coding transcript variant (1).
Genome position (GRCh38, 1-based): chr20:45,891,642, G>A. VCF-style: chr20-45891642-G-A. GRCh37 (hg19) VCF-style: chr20-44520281-G-A.
Other names: c.74G>A, p.Arg25Gln (NM_001127695.3, NM_001167594.3); short protein forms R25Q.
Identifiers: ClinVar variation 1388738 (VCV001388738.3), dbSNP rs746200419, ClinGen allele CA9882920.
Genomic context (GRCh38, chr20:45,891,642, plus strand): 5'-CGCCGCCGCCGCTGTTCCTGCTGCTGCTGCTGCTGCTGCTGCTAGTGTCCTGGGCGTCCC[G>A]AGGCGAGGCAGCCCCCGACCAGGACGAGATCCAGCGCCTCCCCGGGCTGGCCAAGCAGCC-3'
Protein context (NP_000299.3, residues 15-35): LLLLLVSWAS[Arg25Gln]GEAAPDQDEI